The following is an entry in ClinVar:

ClinVar aggregate classification (germline): Uncertain significance (1 of 4 stars; one submission).

Conditions:
Landau-Kleffner syndrome (FESD). Also called: EPILEPSY, FOCAL, WITH SPEECH DISORDER AND WITH OR WITHOUT MENTAL RETARDATION; APHASIA, ACQUIRED, WITH EPILEPSY. Identifiers: Orphanet 1945, Orphanet 725, Orphanet 98818, MedGen C0282512, MONDO:0009509, OMIM 245570.

Allele frequency attached by ClinVar (database versions not stated): TOPMed 0.00001.
gnomAD v4.1: 1 of 1,614,042 alleles (0.000062%); highest among the groups gnomAD compares: African/African-American, 0.0013%; no homozygotes.

Submission:

Labcorp Genetics (formerly Invitae), Labcorp
Classification: Uncertain significance for Landau-Kleffner syndrome. Last evaluated: 2024-08-16. Review status: criteria provided, single submitter. Criteria: Invitae Variant Classification Sherloc (09022015). Collection method: clinical testing. Allele origin: germline.
Comment: This sequence change replaces asparagine, which is neutral and polar, with isoleucine, which is neutral and non-polar, at codon 1180 of the GRIN2A protein (p.Asn1180Ile). This variant is not present in population databases (gnomAD no frequency). This variant has not been reported in the literature in individuals affected with GRIN2A-related conditions. ClinVar contains an entry for this variant (Variation ID: 532709). Invitae Evidence Modeling of protein sequence and biophysical properties (such as structural, functional, and spatial information, amino acid conservation, physicochemical variation, residue mobility, and thermodynamic stability) indicates that this missense variant is not expected to disrupt GRIN2A protein function with a negative predictive value of 95%. In summary, the available evidence is currently insufficient to determine the role of this variant in disease. Therefore, it has been classified as a Variant of Uncertain Significance.

NM_001134407.3(GRIN2A):c.3539A>T (p.Asn1180Ile)

Gene: GRIN2A (glutamate ionotropic receptor NMDA type subunit 2A; minus strand). Cytogenetic location: 16p13.2.
Variant type: single nucleotide variant.
Coding change: c.3539A>T on transcript NM_001134407.3 (MANE Select); coding-DNA position 3539, A replaced by T.
Protein change: p.Asn1180Ile; replaces asparagine 1180 with isoleucine.
Molecular consequence: missense variant.
Genome position (GRCh38, 1-based): chr16:9,764,005, T>A on the plus strand (A>T on the coding strand, the complement: GRIN2A is on the minus strand). VCF-style: chr16-9764005-T-A. GRCh37 (hg19) VCF-style: chr16-9857862-T-A.
Other names: c.3539A>T, p.Asn1180Ile (NM_000833.5, NM_001134408.2); short protein forms N1180I.
Identifiers: ClinVar variation 532709 (VCV000532709.10), dbSNP rs972229279, ClinGen allele CA394707406.